The following is an entry in ClinVar:

NM_000057.4(BLM):c.3457A>G (p.Lys1153Glu)

Gene: BLM (BLM RecQ like helicase; plus strand). Cytogenetic location: 15q26.1.
Variant type: single nucleotide variant.
Coding change: c.3457A>G on transcript NM_000057.4 (MANE Select); coding-DNA position 3457, A replaced by G.
Protein change: p.Lys1153Glu; replaces lysine 1153 with glutamic acid.
Molecular consequence: missense variant. On other transcripts: intron variant (1).
Genome position (GRCh38, 1-based): chr15:90,803,619, A>G. VCF-style: chr15-90803619-A-G. GRCh37 (hg19) VCF-style: chr15-91346849-A-G.
Other names: c.3457A>G, p.Lys1153Glu (NM_001287246.2); c.2332A>G, p.Lys778Glu (NM_001287248.2); c.3358+5282A>G (NM_001287247.2); short protein forms K778E, K1153E.
Identifiers: ClinVar variation 960654 (VCV000960654.10), dbSNP rs1897216200, ClinGen allele CA393847636.

ClinVar aggregate classification (germline): Uncertain significance (1 of 4 stars; one submission).

Conditions:
Bloom syndrome (BLM). Also called: Bloom-Torre-Machacek syndrome. Identifiers: Orphanet 125, MedGen C0005859, MONDO:0008876, OMIM 210900.

Allele frequency attached by ClinVar (database versions not stated): gnomAD exomes below 0.00001.
gnomAD v4.1: 1 of 1,614,162 alleles (0.000062%); highest among the groups gnomAD compares: Non-Finnish European, 0.000085%; no homozygotes.

Submission:

Labcorp Genetics (formerly Invitae), Labcorp
Classification: Uncertain significance for Bloom syndrome. Last evaluated: 2019-10-21. Review status: criteria provided, single submitter. Criteria: Invitae Variant Classification Sherloc (09022015). Collection method: clinical testing. Allele origin: germline.
Comment: This sequence change replaces lysine with glutamic acid at codon 1153 of the BLM protein (p.Lys1153Glu). The lysine residue is moderately conserved and there is a small physicochemical difference between lysine and glutamic acid. This variant is not present in population databases (ExAC no frequency). In summary, the available evidence is currently insufficient to determine the role of this variant in disease. Therefore, it has been classified as a Variant of Uncertain Significance. Algorithms developed to predict the effect of missense changes on protein structure and function are either unavailable or do not agree on the potential impact of this missense change (SIFT: "Tolerated"; PolyPhen-2: "Possibly Damaging"; Align-GVGD: "Class C0"). This variant has not been reported in the literature in individuals with BLM-related conditions.